The following is an entry in ClinVar:

ClinVar aggregate classification (germline): Uncertain significance (1 of 4 stars; one submission).

Submission:

GeneDx
Classification: Uncertain significance. Last evaluated: 2024-04-23. Review status: criteria provided, single submitter. Criteria: GeneDx Variant Classification Process June 2021. Collection method: clinical testing. Allele origin: germline. Affected: yes.
Comment: Not observed at significant frequency in large population cohorts (gnomAD); In silico analysis indicates that this missense variant does not alter protein structure/function; Has not been previously published as pathogenic or benign to our knowledge

NM_172362.3(KCNH1):c.567G>T (p.Gln189His)

Gene: KCNH1 (potassium voltage-gated channel subfamily H member 1; minus strand). Cytogenetic location: 1q32.2.
Variant type: single nucleotide variant.
Coding change: c.567G>T on transcript NM_172362.3 (MANE Select); coding-DNA position 567, G replaced by T.
Protein change: p.Gln189His; replaces glutamine 189 with histidine.
Molecular consequence: missense variant.
Genome position (GRCh38, 1-based): chr1:211,019,248, C>A on the plus strand (G>T on the coding strand, the complement: KCNH1 is on the minus strand). VCF-style: chr1-211019248-C-A. GRCh37 (hg19) VCF-style: chr1-211192590-C-A.
Other names: c.567G>T, p.Gln189His (NM_002238.4); short protein forms Q189H.
Identifiers: ClinVar variation 3372770 (VCV003372770.1).